The following is an entry in ClinVar:

ClinVar aggregate classification (germline): Conflicting classifications of pathogenicity. Review status: criteria provided, conflicting classifications (1 of 4 stars). 8 submissions from 8 submitters: Pathogenic (3); Likely pathogenic (4); Uncertain significance (1). Last evaluated 2025-07-10.

Conditions:
Hereditary insensitivity to pain with anhidrosis (CIPA). Also called: FAMILIAL DYSAUTONOMIA, TYPE II; NTRK1 Congenital Insensitivity to Pain with Anhidrosis; INSENSITIVITY TO PAIN, CONGENITAL, WITH ANHIDROSIS; HSAN Type IV; hereditary sensory and autonomic neuropathy type 4; NEUROPATHY, CONGENITAL SENSORY, WITH ANHIDROSIS. Identifiers: Orphanet 642, MedGen C0020074, MONDO:0009746, OMIM 256800.
NTRK1-related disorder. Also called: NTRK1-related condition.

Allele frequency attached by ClinVar (database versions not stated): gnomAD 0.00001; ExAC 0.00002; gnomAD exomes 0.00002.
gnomAD v4.1: 10 of 1,613,364 alleles (0.00062%); highest among the groups gnomAD compares: East Asian, 0.0067%; no homozygotes.

Submissions (8):

Natera, Inc.
Classification: Likely pathogenic for Hereditary insensitivity to pain with anhidrosis. Last evaluated: 2025-07-10. Review status: criteria provided, single submitter. Criteria: Natera Variant Classification Schema (03/2026). Collection method: clinical testing. Allele origin: germline.
Comment: The c.2056C>T variant in NTRK1 is a missense variant predicted to cause substitution of arginine to cysteine at amino acid 686. This variant is rare in the general population with a frequency below the threshold expected for the associated phenotype(s). This variant has been observed in one or more individuals affected with the associated recessive disease, as either homozygous or compound heterozygous with a second variant (PMID: 30774415, 27265460, 34341834). Computational prediction algorithms indicate this variant is likely to affect gene or protein function. Given the available evidence, this variant is classified as Likely Pathogenic.

PreventionGenetics, part of Exact Sciences
Classification: Pathogenic for NTRK1-related condition. Last evaluated: 2025-06-27. Review status: criteria provided, single submitter. Criteria: ACMG Guidelines, 2015. Collection method: clinical testing. Allele origin: germline.
Comment: The NTRK1 c.2074C>T variant is predicted to result in the amino acid substitution p.Arg692Cys. This variant, also known as c.2056C>T using NM_001012331, has been reported in the heterozygous and compound heterozygous state in individuals with congenital insensitivity to pain with anhidrosis, and has been shown to segregate with disease (Wang et al. 2016. PubMed ID: 27265460; Li et al. 2019. PubMed ID: 30774415; Geng et al. 2018. PubMed ID: 29770739; Hartono et al. 2020. PubMed ID: 32707409). An alternate missense change at the same amino acid position (p.Arg692His) has been reported in an individual with congenital insensitivity to pain with anhidrosis (Gao et al. 2013. PubMed ID: 23799134). This variant is reported in 0.011% of alleles in individuals of East Asian descent in gnomAD. This variant is interpreted as pathogenic.

Women's Health and Genetics/Laboratory Corporation of America, LabCorp
Classification: Uncertain significance. Last evaluated: 2025-06-11. Review status: criteria provided, single submitter. Criteria: LabCorp Variant Classification Summary - May 2015. Collection method: clinical testing. Allele origin: germline.
Comment: Variant summary: NTRK1 c.2056C>T (p.Arg686Cys), also referred to as c.2074C>T(p.Arg692Cys), results in a non-conservative amino acid change located in the protein kinase domain (IPR000719) of the encoded protein sequence. Algorithms developed to predict the effect of missense changes on protein structure and function all suggest that this variant is likely to be disruptive. The variant allele was found at a frequency of 1.6e-05 in 250700 control chromosomes. c.2056C>T has been reported in the literature in at least one heterozygous and two compound heterozygous individuals affected with Hereditary Insensitivity To Pain With Anhidrosis (example: Wang_2016, Geng_2018, Li_2019). These data indicate that the variant may be associated with disease. To our knowledge, no experimental evidence demonstrating an impact on protein function has been reported. The following publications have been ascertained in the context of this evaluation (PMID: 29770739, 30774415, 27265460). ClinVar contains an entry for this variant (Variation ID: 1439142). Based on the evidence outlined above, the variant was classified as VUS-possibly pathogenic.

Labcorp Genetics (formerly Invitae), Labcorp
Classification: Pathogenic for Hereditary insensitivity to pain with anhidrosis. Last evaluated: 2025-03-26. Review status: criteria provided, single submitter. Criteria: Invitae Variant Classification Sherloc (09022015). Collection method: clinical testing. Allele origin: germline.
Comment: This sequence change replaces arginine, which is basic and polar, with cysteine, which is neutral and slightly polar, at codon 686 of the NTRK1 protein (p.Arg686Cys). This variant is present in population databases (rs761967383, gnomAD 0.01%). This missense change has been observed in individual(s) with hereditary sensory and autonomic neuropathy (PMID: 27265460, 29770739, 30774415). In at least one individual the data is consistent with being in trans (on the opposite chromosome) from a pathogenic variant. This variant is also known as c.2074C>T, p.(Arg692Cys). ClinVar contains an entry for this variant (Variation ID: 1439142). Invitae Evidence Modeling of protein sequence and biophysical properties (such as structural, functional, and spatial information, amino acid conservation, physicochemical variation, residue mobility, and thermodynamic stability) indicates that this missense variant is expected to disrupt NTRK1 protein function with a positive predictive value of 95%. This variant disrupts the p.Arg686 amino acid residue in NTRK1. Other variant(s) that disrupt this residue have been determined to be pathogenic (PMID: 23799134; internal data). This suggests that this residue is clinically significant, and that variants that disrupt this residue are likely to be disease-causing. For these reasons, this variant has been classified as Pathogenic.

Dasa
Classification: Likely pathogenic for hereditary sensory and autonomic neuropathy type 4. Last evaluated: 2025-02-05. Review status: criteria provided, single submitter. Criteria: DASA Assertion Criteria. Collection method: clinical testing. Allele origin: germline.
Comment: NM_002529.4(NTRK1):c.2074C>T (p.Arg692Cys) is a missense variant that results in the substitution of arginine with cysteine. The affected residue or protein region has prior evidence supporting clinical relevance. This variant has been recurrently observed in individuals with NTRK1-related disorders (PMID: 27265460; PMID: 29770739; PMID: 30774415). Also, this variant is rare in population databases. Computational evidence supports a deleterious effect. Based on the currently available evidence, this variant is classified as likely pathogenic.

Fulgent Genetics
Classification: Likely pathogenic for Hereditary insensitivity to pain with anhidrosis. Last evaluated: 2024-06-10. Review status: criteria provided, single submitter. Criteria: ACMG Guidelines, 2015. Collection method: clinical testing. Allele origin: germline.

Juno Genomics, Hangzhou Juno Genomics, Inc
Classification: Likely pathogenic for Hereditary insensitivity to pain with anhidrosis. Review status: criteria provided, single submitter. Criteria: ACMG Guidelines, 2015. Collection method: clinical testing. Allele origin: germline.
Comment: Absent from controls (or at extremely low frequency if recessive) in Genome Aggregation Database.;Multiple lines of computational evidence support a deleterious effect on the gene or gene product.;For recessive disorders, detected in trans with a pathogenic variant.;Co-segregation with disease in multiple affected family members.;Patient's phenotype or family history is highly specific for a disease with a single genetic etiology.

Neuberg Centre For Genomic Medicine, NCGM
Classification: Pathogenic for Hereditary insensitivity to pain with anhidrosis. Review status: criteria provided, single submitter. Criteria: ACMG Guidelines, 2015. Collection method: clinical testing. Allele origin: germline. Inheritance: Autosomal recessive inheritance. Affected: yes.
Comment: The c.2074C>T (p.Arg692Cys) missense variant in NTRK1 gene has been reported in heterozygous state in individuals affected with with hereditary sensory and autonomic neuropathy (Wang et al., 2016; Geng et al., 2018). This missense variant is expected to disrupt NTRK1 protein function. It has been submitted to ClinVar as a Pathogenic variant. This variant is reported with the allele frequency (0.001%) in the gnomAD and novel in 1000 genome database. The amino acid Arg at position 692 is changed to a Cys changing protein sequence and it might alter its composition and physico-chemical properties. The amino acid change p.Arg692Cys in NTRK1 is predicted as conserved by GERP++ and PhyloP across 100 vertebrates. For these reasons, this variant has been classified as Pathogenic.

Literature cited by the submitters: PubMed 30774415 (cited by 4 submitters); PubMed 27265460 (cited by 4 submitters); PubMed 34341834 (cited by Natera, Inc.); PubMed 29770739 (cited by 3 submitters); PubMed 23799134 (cited by Labcorp Genetics (formerly Invitae), Labcorp and Dasa).

NM_002529.4(NTRK1):c.2074C>T (p.Arg692Cys)

Gene: NTRK1 (neurotrophic receptor tyrosine kinase 1; plus strand). Cytogenetic location: 1q23.1.
Variant type: single nucleotide variant.
Coding change: c.2074C>T on transcript NM_002529.4 (MANE Select); coding-DNA position 2074, C replaced by T.
Protein change: p.Arg692Cys; replaces arginine 692 with cysteine.
Molecular consequence: missense variant.
Genome position (GRCh38, 1-based): chr1:156,880,026, C>T. VCF-style: chr1-156880026-C-T. GRCh37 (hg19) VCF-style: chr1-156849818-C-T.
Other names: c.2074C>T (NM_002529.3); c.1966C>T, p.Arg656Cys (NM_001007792.1); c.2056C>T, p.Arg686Cys (NM_001012331.2); c.2056C>T (NM_001012331.1); short protein forms R656C, R686C, R692C.
Identifiers: ClinVar variation 1439142 (VCV001439142.14), dbSNP rs761967383, ClinGen allele CA1169561.
Genomic context (GRCh38, chr1:156,880,026, plus strand): 5'-CCCTGGAATTGATGCAGTGTCCGCCCGTGGCAGGTGGGAGGCCGCACCATGCTGCCCATT[C>T]GCTGGATGCCGCCCGAGAGCATCCTGTACCGTAAGTTCACCACCGAGAGCGACGTGTGGA-3'
Protein context (NP_002520.2, residues 682-702): RVGGRTMLPI[Arg692Cys]WMPPESILYR